The following is an entry in ClinVar:

ClinVar aggregate classification (germline): Likely pathogenic (1 of 4 stars; one submission).

Submission:

Quest Diagnostics Nichols Institute San Juan Capistrano
Classification: Likely pathogenic. Last evaluated: 2025-06-17. Review status: criteria provided, single submitter. Criteria: ACMG/ClinGen CNV Guidelines, 2019. Collection method: clinical testing. Allele origin: unknown.
Comment: The 5q35.3 deletion involves at least 20 protein-coding genes. Heterozygous loss-of-function variants of FLT4 have been associated with autosomal dominant congenital heart defects of many types (CCID:008185; OMIM 618780) with incomplete penetrance (Jin 2017, Page 2019), as well as other variable phenotypes (Abolhassani 2024, Cucinotta 2023, Turner 2019, Xie 2017). A heterozygous frameshift and a heterozygous nonsense variant of SQSTM1 have been reported in individuals with neurological phenotypes (Sun 2018, Wu 2023). There are no similar copy number losses of this region in the general populations of the Database of Genomic Variants. Thus, based on current medical literature and gene content, this copy number variant (CNV) is classified as likely pathogenic with incomplete penetrance. References: Abolhassani et al., NPJ Genom Med. 2024 Feb 19;9(1):12. PMID: 38374194 Cucinotta et al., Mol Genet Genomic Med. 2023 Aug;11(8):e2182. PMID: 37186221 Jin et al., Nat Genet. 2017 Nov;49(11):1593-1601. PMID: 28991257 Newman et al., Am J Hum Genet. 2015 Feb 5;96(2):208-20. PMID: 25640679 Page et al., Circ Res. 2019 Feb 15;124(4):553-563. PMID: 30582441 Richardson e

GRCh37/hg19 5q35.3(chr5:179042971-180407217)x1

Genes: BTNL8 (butyrophilin like 8; plus strand), CANX (calnexin; plus strand), CBY3 (chibby family member 3; minus strand), CNOT6 (CCR4-NOT transcription complex subunit 6; plus strand), FLT4 (fms related receptor tyrosine kinase 4; minus strand) and 16 more. Cytogenetic location: 5q35.3.
Variant type: copy number loss.
Change: copy number 1 (one copy instead of two) of chr5:179,042,971-180,407,217 (1.36 Mb, GRCh37 coordinates, 1-based), cytogenetic band 5q35.3.
Identifiers: ClinVar variation 4682632 (VCV004682632.1).